The following is an entry in ClinVar:

NM_014717.3(ZNF536):c.1952G>C (p.Arg651Pro)

Gene: ZNF536 (zinc finger protein 536; plus strand). Cytogenetic location: 19q12.
Variant type: single nucleotide variant.
Coding change: c.1952G>C on transcript NM_014717.3 (MANE Select); coding-DNA position 1952, G replaced by C.
Protein change: p.Arg651Pro; replaces arginine 651 with proline.
Molecular consequence: missense variant.
Genome position (GRCh38, 1-based): chr19:30,445,514, G>C. VCF-style: chr19-30445514-G-C. GRCh37 (hg19) VCF-style: chr19-30936421-G-C.
Other names: c.1952G>C, p.Arg651Pro (NM_001352260.2, NM_001376110.1, NM_001376111.1 and 1 more transcripts); short protein forms R651P.
Identifiers: ClinVar variation 4976494 (VCV004976494.1).
Genomic context (GRCh38, chr19:30,445,514, plus strand): 5'-CCGAGTGCCCCGACTGCGGCCGGGTGTTCCGCACTTACCACCAGGTGGTCGTGCACTCCC[G>C]TGTCCACAAGCGGGACCGCAAGGGCGAGGAGGATGGGCTGCACGTGGGCCTGGATGAGCG-3'
Protein context (NP_055532.1, residues 641-661): RTYHQVVVHS[Arg651Pro]VHKRDRKGEE

ClinVar aggregate classification (germline): Uncertain significance (1 of 4 stars; one submission).

Submission:

GeneDx
Classification: Uncertain significance. Last evaluated: 2022-02-28. Review status: criteria provided, single submitter. Criteria: GeneDx Variant Classification Process June 2021. Collection method: clinical testing. Allele origin: germline.
Comment: Not observed at significant frequency in large population cohorts (gnomAD); In silico analysis supports that this missense variant has a deleterious effect on protein structure/function; Has not been previously published as pathogenic or benign to our knowledge; Variants in candidate genes are classified as variants of uncertain significance in accordance with ACMG guidelines (Richards et al., 2015)